The following is an entry in ClinVar:

ClinVar aggregate classification (germline): Likely pathogenic. Review status: criteria provided, multiple submitters, no conflicts (2 of 4 stars). 2 submissions from 2 submitters: Likely pathogenic (2). Last evaluated 2025-01-20.

Conditions:
Marfan syndrome (MFS). Also called: MARFAN SYNDROME, TYPE I; Marfan syndrome type 1; Marfan's syndrome; FBN1-Related Marfan Syndrome; Marfan syndrome, classic. Identifiers: Orphanet 284963, Orphanet 558, MedGen C0024796, MONDO:0007947, OMIM 154700.

Submissions (2):

Centro de Genética y Biología Molecular, Universidad de San Martín de Porres
Classification: Likely pathogenic for Marfan syndrome. Last evaluated: 2025-01-20. Review status: criteria provided, single submitter. Criteria: ACMG Guidelines, 2015. Collection method: research. Allele origin: germline. Inheritance: Autosomal dominant inheritance. Affected: yes. Observed: 1 heterozygote.
Comment: This missense variant is considered Likely Pathogenic by ClinVar (an entry is Variation ID: 457182). Advanced modeling of protein sequence and biophysical properties performed at another Lab., indicates that this missense variant is expected to disrupt FBN1 protein function. This variant affects a cysteine residue in the EGF-like, TGFBP or hybrid motif domains of FBN1.

Clinical Biomedical Laboratory, Shriners Hospital For Children - Canada
Classification: Likely pathogenic for Marfan syndrome. Review status: criteria provided, single submitter. Criteria: ACMG Guidelines, 2015. Collection method: clinical testing. Allele origin: germline. Affected: yes.
Comment: This variant is predicted to substitute a cysteine residue by a tyrosine residue in FBN1. This variant is absent in the Genome Aggregation Database (gnomAD v2.1.1), indicating it is very rare. Computational tools (REVEL: 0.97) suggest that the amino acid change is deleterious to protein function. Based on the ACMG variant interpretation guidelines (criteria: PM2, PM5, PP2, PP3, PP4), the available evidence supports classification of this variant as likely pathogenic.

NM_000138.5(FBN1):c.2873G>A (p.Cys958Tyr)

Gene: FBN1 (fibrillin 1; minus strand). Cytogenetic location: 15q21.1.
Variant type: single nucleotide variant.
Coding change: c.2873G>A on transcript NM_000138.5 (MANE Select); coding-DNA position 2873, G replaced by A.
Protein change: p.Cys958Tyr; replaces cysteine 958 with tyrosine.
Molecular consequence: missense variant.
Genome position (GRCh38, 1-based): chr15:48,490,060, C>T on the plus strand (G>A on the coding strand, the complement: FBN1 is on the minus strand). VCF-style: chr15-48490060-C-T. GRCh37 (hg19) VCF-style: chr15-48782257-C-T.
Other names: c.2873G>A, p.Cys958Tyr (NM_001406716.1); short protein forms C958Y.
Identifiers: ClinVar variation 4077160 (VCV004077160.2).